The following is an entry in ClinVar:

ClinVar aggregate classification (germline): Uncertain significance (1 of 4 stars; one submission).

Conditions:
Symmetrical dyschromatosis of extremities (DSH). Also called: DYSCHROMATOSIS SYMMETRICA HEREDITARIA 1; RETICULATE ACROPIGMENTATION OF DOHI; SYMMETRIC DYSCHROMATOSIS OF THE EXTREMITIES; Dyschromatosis symmetrica hereditaria. Identifiers: Orphanet 41, MedGen C0406775, MONDO:0007483, OMIM 127400.
Aicardi-Goutieres syndrome 6 (AGS6). Identifiers: Orphanet 51, MedGen C3539013, MONDO:0014007, OMIM 615010.

Allele frequency attached by ClinVar (database versions not stated): gnomAD exomes below 0.00001.
gnomAD v4.1: 1 of 1,614,174 alleles (0.000062%); highest among the groups gnomAD compares: Non-Finnish European, 0.000085%; no homozygotes.

Submission:

Labcorp Genetics (formerly Invitae), Labcorp
Classification: Uncertain significance for Aicardi-Goutieres syndrome 6; Symmetrical dyschromatosis of extremities. Last evaluated: 2022-11-15. Review status: criteria provided, single submitter. Criteria: Invitae Variant Classification Sherloc (09022015). Collection method: clinical testing. Allele origin: germline.
Comment: In summary, the available evidence is currently insufficient to determine the role of this variant in disease. Therefore, it has been classified as a Variant of Uncertain Significance. Advanced modeling of protein sequence and biophysical properties (such as structural, functional, and spatial information, amino acid conservation, physicochemical variation, residue mobility, and thermodynamic stability) performed at Invitae indicates that this missense variant is not expected to disrupt ADAR protein function. ClinVar contains an entry for this variant (Variation ID: 1505853). This variant has not been reported in the literature in individuals affected with ADAR-related conditions. This variant is not present in population databases (gnomAD no frequency). This sequence change replaces lysine, which is basic and polar, with glutamic acid, which is acidic and polar, at codon 948 of the ADAR protein (p.Lys948Glu).

NM_001111.5(ADAR):c.2842A>G (p.Lys948Glu)

Gene: ADAR (adenosine deaminase RNA specific; minus strand). Cytogenetic location: 1q21.3.
Variant type: single nucleotide variant.
Coding change: c.2842A>G on transcript NM_001111.5 (MANE Select); coding-DNA position 2842, A replaced by G.
Protein change: p.Lys948Glu; replaces lysine 948 with glutamic acid.
Molecular consequence: missense variant.
Genome position (GRCh38, 1-based): chr1:154,588,594, T>C on the plus strand (A>G on the coding strand, the complement: ADAR is on the minus strand). VCF-style: chr1-154588594-T-C. GRCh37 (hg19) VCF-style: chr1-154561070-T-C.
Other names: c.1957A>G, p.Lys653Glu (NM_001193495.2, NM_001365046.1, NM_001365047.1 and 2 more transcripts); c.2869A>G, p.Lys957Glu (NM_001365045.1); c.1879A>G, p.Lys627Glu (NM_001365049.1); c.2764A>G, p.Lys922Glu (NM_015840.4); c.2707A>G, p.Lys903Glu (NM_015841.4); short protein forms K653E, K903E, K627E, K948E, K957E, K922E.
Identifiers: ClinVar variation 1505853 (VCV001505853.8), dbSNP rs2101578630, ClinGen allele CA342636324.